The following is an entry in ClinVar:

ClinVar aggregate classification (germline): Uncertain significance (1 of 4 stars; one submission).

Conditions:
Familial hypobetalipoproteinemia 1. Also called: APOB-Related Familial Hypobetalipoproteinemia; Hypobetalipoproteinemia, normotriglyceridemic; Acanthocytosis with hypobetalipoproteinemia. Identifiers: MedGen C4551990, MONDO:0014252, OMIM 615558.
Hypercholesterolemia, autosomal dominant, type B (FHCL2). Also called: APOB-Related Familial Hypercholesterolemia, Autosomal Dominant; Familial hypercholesterolemia 2; Familial Hypercholesterolemia Type B; APOLIPOPROTEIN B-100, FAMILIAL DEFECTIVE; APOLIPOPROTEIN B-100, FAMILIAL LIGAND-DEFECTIVE; HYPERCHOLESTEROLEMIA, FAMILIAL, DUE TO LIGAND-DEFECTIVE APOLIPOPROTEIN B. Identifiers: MedGen C1704417, MONDO:0007751, OMIM 144010.

Submission:

Labcorp Genetics (formerly Invitae), Labcorp
Classification: Uncertain significance for Familial hypobetalipoproteinemia 1; Hypercholesterolemia, autosomal dominant, type B. Last evaluated: 2025-04-22. Review status: criteria provided, single submitter. Criteria: Invitae Variant Classification Sherloc (09022015). Collection method: clinical testing. Allele origin: germline.
Comment: This variant, c.10094_10096dup, results in the insertion of 1 amino acid(s) of the APOB protein (p.His3365dup), but otherwise preserves the integrity of the reading frame. This variant is not present in population databases (gnomAD no frequency). This variant has not been reported in the literature in individuals affected with APOB-related conditions. In summary, the available evidence is currently insufficient to determine the role of this variant in disease. Therefore, it has been classified as a Variant of Uncertain Significance.

NM_000384.3(APOB):c.10094_10096dup (p.His3365_Leu3366insHis)

Gene: APOB (apolipoprotein B; minus strand). Cytogenetic location: 2p24.1.
Variant type: Duplication.
Coding change: c.10094_10096dup on transcript NM_000384.3 (MANE Select); coding-DNA positions 10094 to 10096, 3 bases duplicated (ATC; older notation c.10094_10096dupATC).
Protein change: p.His3365_Leu3366insHis.
Genome position (GRCh38, 1-based): chr2:21,006,772-21,006,774, GAT duplicated on the plus strand (ATC on the coding strand, the reverse complement: APOB is on the minus strand); duplicating any 3 consecutive bases within chr2:21,006,772-21,006,776 gives the same sequence; the c. name uses the placement nearest the transcript's 3' end. VCF-style (leftmost placement, unchanged base first): chr2-21006771-A-AGAT. GRCh37 (hg19) VCF-style: chr2-21229643-A-AGAT.
Identifiers: ClinVar variation 4784789 (VCV004784789.1).